The following is an entry in ClinVar:

NM_002454.3(MTRR):c.401+2_401+7del

Gene: MTRR (5-methyltetrahydrofolate-homocysteine methyltransferase reductase; plus strand). Cytogenetic location: 5p15.31.
Variant type: Deletion.
Coding change: c.401+2_401+7del on transcript NM_002454.3 (MANE Select); the canonical splice donor site of the intron after coding-DNA position 401 through 7 bases into the intron after coding-DNA position 401, 6 bases deleted (TAAGGG; older notation c.401+2_401+7delTAAGGG).
Molecular consequence: splice donor variant.
Genome position (GRCh38, 1-based): chr5:7,875,377-7,875,382, TAAGGG deleted; deleting any 6 consecutive bases within chr5:7,875,373-7,875,382 gives the same sequence; the c. name uses the placement nearest the transcript's 3' end. VCF-style (leftmost placement, unchanged base first): chr5-7875372-TAGGGTA-T. GRCh37 (hg19) VCF-style: chr5-7875485-TAGGGTA-T.
Other names: c.401+2_401+7del (NM_001364440.2, NM_001364441.2, NM_001364442.2 and 1 more transcripts).
Identifiers: ClinVar variation 1349020 (VCV001349020.8), dbSNP rs2126676051, ClinGen allele CA2573139604.
Genomic context (GRCh38, chr5:7,875,372, plus strand): 5'-AACGACTTCAAGAGCTTGGAGCCCGGCATTTCTATGACACTGGACATGCAGATGACTGTG[TAGGGTA>T]AGGGCAGTGTTCTCTGTTTACTCCAATAAGCCCTCTATACATGATGGAAGTTGATTTGTA-3'

ClinVar aggregate classification (germline): Likely pathogenic (1 of 4 stars; one submission).

Conditions:
Methylcobalamin deficiency type cblE (HMAE). Also called: HOMOCYSTINURIA-MEGALOBLASTIC ANEMIA, cblE COMPLEMENTATION TYPE; VITAMIN B12-RESPONSIVE HOMOCYSTINURIA, cblE TYPE; HOMOCYSTINURIA-MEGALOBLASTIC ANEMIA, cblE TYPE. Identifiers: Orphanet 2169, Orphanet 622, MedGen C1856057, MONDO:0009354, OMIM 236270.

Submission:

Labcorp Genetics (formerly Invitae), Labcorp
Classification: Likely pathogenic for Methylcobalamin deficiency type cblE. Last evaluated: 2021-03-08. Review status: criteria provided, single submitter. Criteria: Invitae Variant Classification Sherloc (09022015). Collection method: clinical testing. Allele origin: germline.
Comment: This sequence change affects a donor splice site in intron 4 of the MTRR gene. It is expected to disrupt RNA splicing. Variants that disrupt the donor or acceptor splice site typically lead to a loss of protein function (PMID: 16199547), and loss-of-function variants in MTRR are known to be pathogenic (PMID: 15714522). This variant is not present in population databases (ExAC no frequency). This variant has not been reported in the literature in individuals with MTRR-related conditions. Algorithms developed to predict the effect of sequence changes on RNA splicing suggest that this variant may disrupt the consensus splice site, but this prediction has not been confirmed by published transcriptional studies. In summary, the currently available evidence indicates that the variant is pathogenic, but additional data are needed to prove that conclusively. Therefore, this variant has been classified as Likely Pathogenic.

Literature cited by the submitters: PubMed 16199547; PubMed 15714522.